The following is an entry in ClinVar:

NM_000141.5(FGFR2):c.2302-1811_2302-1807dup

Gene: FGFR2 (fibroblast growth factor receptor 2; minus strand). Cytogenetic location: 10q26.13.
Variant type: Duplication.
Coding change: c.2302-1811_2302-1807dup on transcript NM_000141.5 (MANE Select); 1811 bases into the intron before coding-DNA position 2302 through 1807 bases into the intron before coding-DNA position 2302, 5 bases duplicated (AAAAA; older notation c.2302-1811_2302-1807dupAAAAA).
Molecular consequence: intron variant. On other transcripts: 3 prime UTR variant (1).
Genome position (GRCh38, 1-based): chr10:121,481,828-121,481,832, TTTTT duplicated on the plus strand (AAAAA on the coding strand, the reverse complement: FGFR2 is on the minus strand); duplicating any 5 consecutive bases within chr10:121,481,828-121,481,833 gives the same sequence; the c. name uses the placement nearest the transcript's 3' end. VCF-style (leftmost placement, unchanged base first): chr10-121481827-C-CTTTTT. GRCh37 (hg19) VCF-style: chr10-123241341-C-CTTTTT.
Other names: c.*340_*344dup (NM_001144919.2); c.1966-1811_1966-1807dup (NM_001144914.1); c.1951-1811_1951-1807dup (NM_001144918.2); c.1951-1719_1951-1715dup (NM_001441091.1); c.1957-1811_1957-1807dup (NM_001441090.1, NM_001144916.2); c.2029-1811_2029-1807dup (NM_001441089.1); c.2035-1811_2035-1807dup (NM_023029.3); c.2032-1811_2032-1807dup (NM_001441088.1); and 6 more.
Identifiers: ClinVar variation 1701150 (VCV001701150.31), dbSNP rs1172844728, ClinGen allele CA660824754.

ClinVar aggregate classification (germline): Likely benign (1 of 4 stars; one submission).

Submission:

CeGaT Center for Human Genetics Tuebingen
Classification: Likely benign. Last evaluated: 2024-12-01. Review status: criteria provided, single submitter. Criteria: CeGaT Center For Human Genetics Tuebingen Variant Classification Criteria Version 2. Collection method: clinical testing. Allele origin: germline. Affected: yes. Observed: 9 variant alleles.
Comment: FGFR2: BS1